The following is an entry in ClinVar:

NM_007194.4(CHEK2):c.304G>A (p.Gly102Arg)

Gene: CHEK2 (checkpoint kinase 2; minus strand). Cytogenetic location: 22q12.1.
Variant type: single nucleotide variant.
Coding change: c.304G>A on transcript NM_007194.4 (MANE Select); coding-DNA position 304, G replaced by A.
Protein change: p.Gly102Arg; replaces glycine 102 with arginine.
Molecular consequence: missense variant.
Genome position (GRCh38, 1-based): chr22:28,734,418, C>T on the plus strand (G>A on the coding strand, the complement: CHEK2 is on the minus strand). VCF-style: chr22-28734418-C-T. GRCh37 (hg19) VCF-style: chr22-29130406-C-T.
Other names: c.304G>A, p.Gly102Arg (NM_001005735.3, NM_001349956.3, NM_145862.3); c.-474G>A (NM_001257387.3); short protein forms G102R.
Identifiers: ClinVar variation 568858 (VCV000568858.13), dbSNP rs876659833, ClinGen allele CA411090242.

ClinVar aggregate classification (germline): Uncertain significance. Review status: criteria provided, multiple submitters, no conflicts (2 of 4 stars). 2 submissions from 2 submitters: Uncertain significance (2). Last evaluated 2025-08-06.

Conditions:
Hereditary cancer-predisposing syndrome. Also called: Neoplastic Syndromes, Hereditary; Tumor predisposition; Hereditary neoplastic syndrome; Hereditary Cancer Syndrome. Identifiers: Orphanet 140162, MedGen C0027672, MeSH D009386, MONDO:0015356.
Familial cancer of breast. Also called: BREAST CANCER, FAMILIAL; Hereditary breast cancer; hereditary breast carcinoma. Identifiers: Orphanet 227535, MedGen C0346153, MONDO:0016419, OMIM 114480. Disease mechanism: loss of function.

Submissions (2):

Labcorp Genetics (formerly Invitae), Labcorp
Classification: Uncertain significance for Familial cancer of breast. Last evaluated: 2025-08-06. Review status: criteria provided, single submitter. Criteria: Invitae Variant Classification Sherloc (09022015). Collection method: clinical testing. Allele origin: germline.
Comment: This sequence change replaces glycine, which is neutral and non-polar, with arginine, which is basic and polar, at codon 102 of the CHEK2 protein (p.Gly102Arg). This variant is not present in population databases (gnomAD no frequency). This variant has not been reported in the literature in individuals affected with CHEK2-related conditions. ClinVar contains an entry for this variant (Variation ID: 568858). An algorithm developed to predict the effect of missense changes on protein structure and function (PolyPhen-2) suggests that this variant is likely to be disruptive. In summary, the available evidence is currently insufficient to determine the role of this variant in disease. Therefore, it has been classified as a Variant of Uncertain Significance.

Ambry Genetics
Classification: Uncertain significance for Hereditary cancer-predisposing syndrome. Last evaluated: 2024-12-12. Review status: criteria provided, single submitter. Criteria: Ambry Variant Classification Scheme 2023. Collection method: clinical testing. Allele origin: germline.
Comment: The p.G102R variant (also known as c.304G>A), located in coding exon 1 of the CHEK2 gene, results from a G to A substitution at nucleotide position 304. The glycine at codon 102 is replaced by arginine, an amino acid with dissimilar properties. This variant was reported in a cohort of individuals diagnosed with breast cancer (Dumont M et al. Cancers (Basel), 2022 Jul;14:).This amino acid position is highly conserved in available vertebrate species. In addition, this alteration is predicted to be deleterious by in silico analysis. Based on the available evidence, the clinical significance of this variant remains unclear.

Literature cited by the submitters: PubMed 35884425 (cited by Ambry Genetics).